The following is an entry in ClinVar:

NM_006918.5(SC5D):c.*4912C>T

Gene: SC5D (sterol-C5-desaturase; plus strand). Cytogenetic location: 11q24.1.
Variant type: single nucleotide variant.
Coding change: c.*4912C>T on transcript NM_006918.5 (MANE Select); 4912 bases downstream of the stop codon, C replaced by T.
Molecular consequence: 3 prime UTR variant.
Genome position (GRCh38, 1-based): chr11:121,312,424, C>T. VCF-style: chr11-121312424-C-T. GRCh37 (hg19) VCF-style: chr11-121183133-C-T.
Other names: c.*4912C>T (NM_001024956.3).
Identifiers: ClinVar variation 303107 (VCV000303107.5), dbSNP rs148376006, ClinGen allele CA10633864.

ClinVar aggregate classification (germline): Likely benign (1 of 4 stars; one submission).

Conditions:
Lathosterolosis. Also called: SC5D DEFICIENCY; STEROL C5-DESATURASE DEFICIENCY. Identifiers: Orphanet 46059, MedGen C1846421, MONDO:0011816, OMIM 607330.

Allele frequency attached by ClinVar (database versions not stated): 1000 Genomes Project 30x 0.00297; 1000 Genomes Project 0.00300; TOPMed 0.00445; gnomAD 0.00582 and 0.00598.
gnomAD v4.1: 880 of 152,134 alleles (0.58%); highest among the groups gnomAD compares: Admixed American, 0.77%; 8 homozygotes.

Submission:

Illumina Laboratory Services, Illumina
Classification: Likely benign for Lathosterolosis. Last evaluated: 2018-01-13. Review status: criteria provided, single submitter. Criteria: ICSL Variant Classification Criteria 13 December 2019. Collection method: clinical testing. Allele origin: germline.
Comment: This variant was observed in the ICSL laboratory as part of a predisposition screen in an ostensibly healthy population. It had not been previously curated by ICSL or reported in the Human Gene Mutation Database (HGMD: prior to June 1st, 2018), and was therefore a candidate for classification through an automated scoring system. Utilizing variant allele frequency, disease prevalence and penetrance estimates, and inheritance mode, an automated score was calculated to assess if this variant is too frequent to cause the disease. Based on the score and internal cut-off values, a variant classified as likely benign is not then subjected to further curation. The score for this variant resulted in a classification of likely benign for this disease.